The following is an entry in ClinVar:

ClinVar aggregate classification (germline): Uncertain significance (1 of 4 stars; one submission).

Conditions:
Congenital contractural arachnodactyly (CCA). Also called: BEALS SYNDROME; Arthrogryposis, distal, type 9; Beals-Hecht syndrome. Identifiers: Orphanet 115, MedGen C0220668, MONDO:0007363, OMIM 121050.

Submission:

Labcorp Genetics (formerly Invitae), Labcorp
Classification: Uncertain significance for Congenital contractural arachnodactyly. Last evaluated: 2024-06-12. Review status: criteria provided, single submitter. Criteria: Invitae Variant Classification Sherloc (09022015). Collection method: clinical testing. Allele origin: germline.
Comment: This sequence change replaces serine, which is neutral and polar, with threonine, which is neutral and polar, at codon 2675 of the FBN2 protein (p.Ser2675Thr). This variant is not present in population databases (gnomAD no frequency). This variant has not been reported in the literature in individuals affected with FBN2-related conditions. Advanced modeling of protein sequence and biophysical properties (such as structural, functional, and spatial information, amino acid conservation, physicochemical variation, residue mobility, and thermodynamic stability) has been performed at Invitae for this missense variant, however the output from this modeling did not meet the statistical confidence thresholds required to predict the impact of this variant on FBN2 protein function. In summary, the available evidence is currently insufficient to determine the role of this variant in disease. Therefore, it has been classified as a Variant of Uncertain Significance.

NM_001999.4(FBN2):c.8024G>C (p.Ser2675Thr)

Gene: FBN2 (fibrillin 2; minus strand). Cytogenetic location: 5q23.3.
Variant type: single nucleotide variant.
Coding change: c.8024G>C on transcript NM_001999.4 (MANE Select); coding-DNA position 8024, G replaced by C.
Protein change: p.Ser2675Thr; replaces serine 2675 with threonine.
Molecular consequence: missense variant.
Genome position (GRCh38, 1-based): chr5:128,263,593, C>G on the plus strand (G>C on the coding strand, the complement: FBN2 is on the minus strand). VCF-style: chr5-128263593-C-G. GRCh37 (hg19) VCF-style: chr5-127599285-C-G.
Other names: short protein forms S2675T.
Identifiers: ClinVar variation 3656425 (VCV003656425.2).